The following is an entry in ClinVar:

NM_001267550.2(TTN):c.106327G>A (p.Ala35443Thr)

Genes: TTN-AS1 (TTN antisense RNA 1; plus strand), TTN (titin; minus strand). Cytogenetic location: 2q31.2.
Variant type: single nucleotide variant.
Coding change: c.106327G>A on transcript NM_001267550.2 (MANE Select); coding-DNA position 106327, G replaced by A.
Protein change: p.Ala35443Thr; replaces alanine 35443 with threonine.
Molecular consequence: missense variant.
Genome position (GRCh38, 1-based): chr2:178,530,288, C>T on the plus strand (G>A on the coding strand, the complement: TTN is on the minus strand). VCF-style: chr2-178530288-C-T. GRCh37 (hg19) VCF-style: chr2-179395015-C-T.
Other names: c.101404G>A, p.Ala33802Thr (NM_001256850.1); c.79132G>A, p.Ala26378Thr (NM_003319.4); c.98623G>A, p.Ala32875Thr (NM_133378.4); c.79507G>A, p.Ala26503Thr (NM_133432.3); c.79708G>A, p.Ala26570Thr (NM_133437.4); short protein forms A26378T, A26570T, A32875T, A26503T, A33802T, A35443T.
Identifiers: ClinVar variation 2937003 (VCV002937003.2), dbSNP rs1369230756, ClinGen allele CA349406061.
Genomic context (GRCh38, chr2:178,530,288, plus strand): 5'-AAGAACTGGTTACCTTTCCATCTTTTGTCCAGATGGCAGTTGGCCGGGGTTCTCCAGTAG[C>T]CTTAACTGCAAATTTAGCAACACTGTCTGAAGAAACAGTTGTATCCTGCAACCCAGTAAC-3'
Protein context (NP_001254479.2, residues 35433-35453): SDSVAKFAVK[Ala35443Thr]TGEPRPTAIW

ClinVar aggregate classification (germline): Uncertain significance (1 of 4 stars; one submission).

Conditions:
Dilated cardiomyopathy 1G (CMD1G). Identifiers: Orphanet 154, MedGen C1858763, MONDO:0011400, OMIM 604145.
Autosomal recessive limb-girdle muscular dystrophy type 2J (LGMDR10). Also called: Limb-girdle muscular dystrophy, type 2J; MUSCULAR DYSTROPHY, LIMB-GIRDLE, AUTOSOMAL RECESSIVE 10. Identifiers: Orphanet 140922, MedGen C1837342, MONDO:0012127, OMIM 608807.

Allele frequency attached by ClinVar (database versions not stated): gnomAD exomes below 0.00001.
gnomAD v4.1: 1 of 1,613,218 alleles (0.000062%); highest among the groups gnomAD compares: Admixed American, 0.0017%; no homozygotes.

Submission:

Labcorp Genetics (formerly Invitae), Labcorp
Classification: Uncertain significance for Dilated cardiomyopathy 1G; Autosomal recessive limb-girdle muscular dystrophy type 2J. Last evaluated: 2022-11-19. Review status: criteria provided, single submitter. Criteria: Invitae Variant Classification Sherloc (09022015). Collection method: clinical testing. Allele origin: germline.
Comment: Experimental studies and prediction algorithms are not available or were not evaluated, and the functional significance of this variant is currently unknown. In summary, the available evidence is currently insufficient to determine the role of this variant in disease. Therefore, it has been classified as a Variant of Uncertain Significance. This variant is located in the M band of TTN (PMID: 25589632). Variants in this region may be relevant for neuromuscular disorders, but have not been definitively shown to cause cardiomyopathy (PMID: 23975875). This variant has not been reported in the literature in individuals affected with TTN-related conditions. This sequence change replaces alanine, which is neutral and non-polar, with threonine, which is neutral and polar, at codon 35443 of the TTN protein (p.Ala35443Thr). This variant is present in population databases (no rsID available, gnomAD 0.003%).

Literature cited by the submitters: PubMed 25589632; PubMed 23975875.